The following is an entry in ClinVar:

NM_003849.4(SUCLG1):c.814C>T (p.Gln272Ter)

Gene: SUCLG1 (succinate-CoA ligase GDP/ADP-forming subunit alpha; minus strand). Cytogenetic location: 2p11.2.
Variant type: single nucleotide variant.
Coding change: c.814C>T on transcript NM_003849.4 (MANE Select); coding-DNA position 814, C replaced by T.
Protein change: p.Gln272Ter; replaces glutamine 272 with a stop codon.
Molecular consequence: nonsense.
Genome position (GRCh38, 1-based): chr2:84,431,519, G>A on the plus strand (C>T on the coding strand, the complement: SUCLG1 is on the minus strand). VCF-style: chr2-84431519-G-A. GRCh37 (hg19) VCF-style: chr2-84658643-G-A.
Other names: short protein forms Q272*.
Identifiers: ClinVar variation 1325153 (VCV001325153.6), dbSNP rs1246050542, ClinGen allele CA347514898.
Genomic context (GRCh38, chr2:84,431,519, plus strand): 5'-CCTCTGATATTAAGAGCAAAGAGCTATGTTTTTCCAAACCCAAACTTACTGAATTATGTT[G>A]CTTCAAAAATTCTGCAGCATTCTCTTCTGCATTACCACCAATTTCACCAATCAATATGAT-3'

ClinVar aggregate classification (germline): Pathogenic (1 of 4 stars; one submission).

Conditions:
Mitochondrial DNA depletion syndrome 9 (MTDPS9). Also called: SUCLG1-Related Mitochondrial DNA Depletion Syndrome, Encephalomyopathic Form with Methylmalonic Aciduria. Identifiers: Orphanet 17, MedGen C3151476, MONDO:0009504, OMIM 245400.

Allele frequency attached by ClinVar (database versions not stated): gnomAD exomes below 0.00001; gnomAD 0.00001; TOPMed 0.00003.
gnomAD v4.1: 8 of 1,613,812 alleles (0.0005%); highest among the groups gnomAD compares: African/African-American, 0.008%; no homozygotes.

Submission:

Labcorp Genetics (formerly Invitae), Labcorp
Classification: Pathogenic for Mitochondrial DNA depletion syndrome 9. Last evaluated: 2024-09-19. Review status: criteria provided, single submitter. Criteria: Invitae Variant Classification Sherloc (09022015). Collection method: clinical testing. Allele origin: germline.
Comment: This sequence change creates a premature translational stop signal (p.Gln272*) in the SUCLG1 gene. It is expected to result in an absent or disrupted protein product. Loss-of-function variants in SUCLG1 are known to be pathogenic (PMID: 20693550). This variant is present in population databases (no rsID available, gnomAD 0.01%). This variant has not been reported in the literature in individuals affected with SUCLG1-related conditions. ClinVar contains an entry for this variant (Variation ID: 1325153). For these reasons, this variant has been classified as Pathogenic.

Literature cited by the submitters: PubMed 20693550.